The following is an entry in ClinVar:

ClinVar aggregate classification (germline): Uncertain significance (1 of 4 stars; one submission).

Submission:

GeneDx
Classification: Uncertain significance. Last evaluated: 2026-02-20. Review status: criteria provided, single submitter. Criteria: GeneDx Variant Classification Process June 2021. Collection method: clinical testing. Allele origin: germline.
Comment: Not observed at significant frequency in large population cohorts (gnomAD); In silico analysis supports that this missense variant has a deleterious effect on protein structure/function; Has not been previously published as pathogenic or benign to our knowledge

NM_001130021.3(ATP6V0A1):c.179A>C (p.Glu60Ala)

Gene: ATP6V0A1 (ATPase H+ transporting V0 subunit a1; plus strand). Cytogenetic location: 17q21.2.
Variant type: single nucleotide variant.
Coding change: c.179A>C on transcript NM_001130021.3 (MANE Select); coding-DNA position 179, A replaced by C.
Protein change: p.Glu60Ala; replaces glutamic acid 60 with alanine.
Molecular consequence: missense variant. On other transcripts: 5 prime UTR variant (2).
Genome position (GRCh38, 1-based): chr17:42,466,490, A>C. VCF-style: chr17-42466490-A-C. GRCh37 (hg19) VCF-style: chr17-40618508-A-C.
Other names: c.179A>C, p.Glu60Ala (NM_001130020.3, NM_001378522.1, NM_001378523.1 and 25 more transcripts); c.-2A>C (NM_001378543.1, NM_001378549.1); short protein forms E60A.
Identifiers: ClinVar variation 5009696 (VCV005009696.1).